The following is an entry in ClinVar:

NM_000548.5(TSC2):c.4458C>T (p.Ala1486=)

Gene: TSC2 (TSC complex subunit 2; plus strand). Cytogenetic location: 16p13.3.
Variant type: single nucleotide variant.
Coding change: c.4458C>T on transcript NM_000548.5 (MANE Select); coding-DNA position 4458, C replaced by T.
Protein change: p.Ala1486=; no amino-acid change (alanine 1486 retained).
Molecular consequence: synonymous variant.
Genome position (GRCh38, 1-based): chr16:2,084,680, C>T. VCF-style: chr16-2084680-C-T. GRCh37 (hg19) VCF-style: chr16-2134681-C-T.
Other names: c.4257C>T, p.Ala1419= (NM_001077183.3); c.4389C>T, p.Ala1463= (NM_001114382.3); c.4149C>T, p.Ala1383= (NM_001318827.2); c.4113C>T, p.Ala1371= (NM_001318829.2); c.3726C>T, p.Ala1242= (NM_001318831.2); c.4290C>T, p.Ala1430= (NM_001318832.2); c.4260C>T, p.Ala1420= (NM_001363528.2); c.4326C>T, p.Ala1442= (NM_001370404.1); and 1 more.
Identifiers: ClinVar variation 318331 (VCV000318331.51), dbSNP rs761248238, ClinGen allele CA051229.

ClinVar aggregate classification (germline): Benign/Likely benign. Review status: criteria provided, multiple submitters, no conflicts (2 of 4 stars). 10 submissions from 10 submitters: Benign (3); Likely benign (7). Last evaluated 2025-11-24.

Conditions:
Hereditary cancer-predisposing syndrome. Also called: Tumor predisposition; Neoplastic Syndromes, Hereditary; Hereditary neoplastic syndrome; Hereditary Cancer Syndrome. Identifiers: Orphanet 140162, MedGen C0027672, MeSH D009386, MONDO:0015356.
Isolated focal cortical dysplasia type II (FCORD2). Also called: CORTICAL DYSPLASIA OF TAYLOR; Focal cortical dysplasia type II. Identifiers: Orphanet 268994, MedGen C1846385, MONDO:0011818, OMIM 607341, HP:0032051.
Tuberous sclerosis 2 (TSC2). Identifiers: Orphanet 805, MedGen C1860707, MONDO:0013199, OMIM 613254.
Lymphangiomyomatosis (LAM). Also called: Lymphangioleiomyomatosis, somatic; Lymphangioleiomyomatosis. Identifiers: Orphanet 538, MedGen C0751674, MONDO:0011705, OMIM 606690.
Tuberous sclerosis syndrome (TSC). Also called: Tuberous sclerosis; Tuberous Sclerosis Complex. Identifiers: Orphanet 805, MedGen C0041341, MONDO:0001734.

Allele frequency attached by ClinVar (database versions not stated): gnomAD 0.00001; gnomAD exomes 0.00001 and 0.00002; TOPMed 0.00001; ExAC 0.00003.
gnomAD v4.1: 10 of 1,598,466 alleles (0.00063%); highest among the groups gnomAD compares: Admixed American, 0.01%; no homozygotes.

Submissions (10):

Labcorp Genetics (formerly Invitae), Labcorp
Classification: Benign for Tuberous sclerosis 2. Last evaluated: 2025-11-24. Review status: criteria provided, single submitter. Criteria: Invitae Variant Classification Sherloc (09022015). Collection method: clinical testing. Allele origin: germline.

ARUP Laboratories, Molecular Genetics and Genomics, ARUP Laboratories
Classification: Likely benign. Last evaluated: 2025-06-23. Review status: criteria provided, single submitter. Criteria: ARUP Molecular Germline Variant Investigation Process 2024. Collection method: clinical testing. Allele origin: germline.

Myriad Genetics, Inc.
Classification: Benign for Tuberous sclerosis 2. Last evaluated: 2025-06-03. Review status: criteria provided, single submitter. Criteria: Myriad Autosomal Dominant, Autosomal Recessive and X-Linked Classification Criteria (2023). Collection method: clinical testing. Allele origin: unknown.
Comment: This variant is considered benign. This variant is a silent/synonymous amino acid change and it is not expected to impact splicing.

All of Us Research Program, National Institutes of Health
Classification: Likely benign for Tuberous sclerosis syndrome. Last evaluated: 2023-12-13. Review status: criteria provided, single submitter. Criteria: ACMG Guidelines, 2015. Collection method: clinical testing. Allele origin: germline. Inheritance: Autosomal dominant inheritance. Observed: 4 variant alleles, 4 heterozygotes.
Comment: This study involves interpretation of variants in research participants for the purpose of population health screening. Participant phenotype was not available at the time of variant classification. Additional details can be found in publication PMID: 35346344, PMCID: PMC8962531

CeGaT Center for Human Genetics Tuebingen
Classification: Likely benign. Last evaluated: 2023-03-01. Review status: criteria provided, single submitter. Criteria: CeGaT Center For Human Genetics Tuebingen Variant Classification Criteria Version 2. Collection method: clinical testing. Allele origin: germline. Affected: yes. Observed: 1 variant allele.
Comment: TSC2: BP4, BP7

Genome-Nilou Lab
Classification: Benign for Tuberous sclerosis 2. Last evaluated: 2021-11-07. Review status: criteria provided, single submitter. Criteria: ACMG Guidelines, 2015. Collection method: clinical testing. Allele origin: germline. Affected: no.

Fulgent Genetics
Classification: Likely benign for Lymphangiomyomatosis; Isolated focal cortical dysplasia type II; Tuberous sclerosis 2. Last evaluated: 2021-10-04. Review status: criteria provided, single submitter. Criteria: ACMG Guidelines, 2015. Collection method: clinical testing. Allele origin: unknown.

GeneDx
Classification: Likely benign. Last evaluated: 2021-04-07. Review status: criteria provided, single submitter. Criteria: GeneDx Variant Classification Process June 2021. Collection method: clinical testing. Allele origin: germline. Affected: yes.

Ambry Genetics
Classification: Likely benign for Hereditary cancer-predisposing syndrome. Last evaluated: 2018-11-05. Review status: criteria provided, single submitter. Criteria: Ambry Variant Classification Scheme 2023. Collection method: clinical testing. Allele origin: germline.

Illumina Laboratory Services, Illumina
Classification: Likely benign for Tuberous sclerosis syndrome. Last evaluated: 2018-01-13. Review status: criteria provided, single submitter. Criteria: ICSL Variant Classification Criteria 13 December 2019. Collection method: clinical testing. Allele origin: germline.
Comment: This variant was observed in the ICSL laboratory as part of a predisposition screen in an ostensibly healthy population. It had not been previously curated by ICSL or reported in the Human Gene Mutation Database (HGMD: prior to June 1st, 2018), and was therefore a candidate for classification through an automated scoring system. Utilizing variant allele frequency, disease prevalence and penetrance estimates, and inheritance mode, an automated score was calculated to assess if this variant is too frequent to cause the disease. Based on the score and internal cut-off values, a variant classified as likely benign is not then subjected to further curation. The score for this variant resulted in a classification of likely benign for this disease.